The following is an entry in ClinVar:

NM_005422.4(TECTA):c.5243G>A (p.Ser1748Asn)

Genes: TBCEL-TECTA (TBCEL-TECTA readthrough; plus strand), TECTA (tectorin alpha; plus strand). Cytogenetic location: 11q23.3.
Variant type: single nucleotide variant.
Coding change: c.5243G>A on transcript NM_005422.4 (MANE Select); coding-DNA position 5243, G replaced by A.
Protein change: p.Ser1748Asn; replaces serine 1748 with asparagine.
Molecular consequence: missense variant.
Genome position (GRCh38, 1-based): chr11:121,162,341, G>A. VCF-style: chr11-121162341-G-A. GRCh37 (hg19) VCF-style: chr11-121033050-G-A.
Other names: c.6185G>A, p.Ser2062Asn (NM_001378761.1); short protein forms S1748N, S2062N.
Identifiers: ClinVar variation 2633245 (VCV002633245.1), dbSNP rs2496982318, ClinGen allele CA383032309.

ClinVar aggregate classification (germline): Uncertain significance (1 of 4 stars; one submission).

Conditions:
TECTA-related disorder. Also called: TECTA-related condition.

Allele frequency attached by ClinVar (database versions not stated): gnomAD exomes below 0.00001.
gnomAD v4.1: 1 of 1,613,524 alleles (0.000062%); highest among the groups gnomAD compares: Non-Finnish European, 0.000085%; no homozygotes.

Submission:

PreventionGenetics, part of Exact Sciences
Classification: Uncertain significance for TECTA-related condition. Last evaluated: 2023-05-03. Review status: criteria provided, single submitter. Criteria: ACMG Guidelines, 2015. Collection method: clinical testing. Allele origin: germline.
Comment: The TECTA c.5243G>A variant is predicted to result in the amino acid substitution p.Ser1748Asn. To our knowledge, this variant has not been reported in the literature or in a large population database, indicating this variant is rare. At this time, the clinical significance of this variant is uncertain due to the absence of conclusive functional and genetic evidence.